The following is an entry in ClinVar:

NM_030777.4(SLC2A10):c.1187C>T (p.Pro396Leu)

Gene: SLC2A10 (solute carrier family 2 member 10; plus strand). Cytogenetic location: 20q13.12.
Variant type: single nucleotide variant.
Coding change: c.1187C>T on transcript NM_030777.4 (MANE Select); coding-DNA position 1187, C replaced by T.
Protein change: p.Pro396Leu; replaces proline 396 with leucine.
Molecular consequence: missense variant.
Genome position (GRCh38, 1-based): chr20:46,726,223, C>T. VCF-style: chr20-46726223-C-T. GRCh37 (hg19) VCF-style: chr20-45354862-C-T.
Other names: short protein forms P396L.
Identifiers: ClinVar variation 656958 (VCV000656958.13), dbSNP rs755654519, ClinGen allele CA9892116.

ClinVar aggregate classification (germline): Conflicting classifications of pathogenicity. Review status: criteria provided, conflicting classifications (1 of 4 stars). 3 submissions from 3 submitters: Uncertain significance (1); Likely benign (2). Last evaluated 2025-09-16.

Conditions:
Arterial tortuosity syndrome (ATORS). Identifiers: Orphanet 3342, MedGen C1859726, MONDO:0008818, OMIM 208050.
Familial thoracic aortic aneurysm and aortic dissection (TAAD). Also called: Thoracic aortic aneurysms and dissections. Identifiers: Orphanet 91387, MedGen C4707243, MONDO:0019625.

Allele frequency attached by ClinVar (database versions not stated): gnomAD 0.00001 and 0.00002; TOPMed 0.00005; ExAC 0.00007; gnomAD exomes 0.00007 and 0.00013.
gnomAD v4.1: 46 of 1,614,028 alleles (0.0029%); highest among the groups gnomAD compares: Admixed American, 0.075%; no homozygotes.

Submissions (3):

Labcorp Genetics (formerly Invitae), Labcorp
Classification: Likely benign for Arterial tortuosity syndrome. Last evaluated: 2025-09-16. Review status: criteria provided, single submitter. Criteria: Invitae Variant Classification Sherloc (09022015). Collection method: clinical testing. Allele origin: germline.

Ambry Genetics
Classification: Likely benign for Familial thoracic aortic aneurysm and aortic dissection. Last evaluated: 2025-07-30. Review status: criteria provided, single submitter. Criteria: Ambry Variant Classification Scheme 2023. Collection method: clinical testing. Allele origin: germline.

Women's Health and Genetics/Laboratory Corporation of America, LabCorp
Classification: Uncertain significance. Last evaluated: 2021-05-24. Review status: criteria provided, single submitter. Criteria: LabCorp Variant Classification Summary - May 2015. Collection method: clinical testing. Allele origin: germline.
Comment: Variant summary: SLC2A10 c.1187C>T (p.Pro396Leu) results in a non-conservative amino acid change located in the Major facilitator superfamily domain (IPR020846) of the encoded protein sequence. Four of five in-silico tools predict a benign effect of the variant on protein function. The variant allele was found at a frequency of 0.00013 in 250702 control chromosomes, predominantly at a frequency of 0.00095 within the Latino subpopulation in the gnomAD database. This frequency is not higher than expected for a pathogenic variant in SLC2A10 causing Arterial Tortuosity Syndrome (0.00095 vs 0.0016), allowing no conclusion about variant significance. To our knowledge, no occurrence of c.1187C>T in individuals affected with Arterial Tortuosity Syndrome and no experimental evidence demonstrating its impact on protein function have been reported. A ClinVar submitter (evaluation after 2014) cites the variant as likely benign. Based on the evidence outlined above, the variant was classified as uncertain significance.